The following is an entry in ClinVar:

NM_001451.3(FOXF1):c.14C>T (p.Pro5Leu)

Gene: FOXF1 (forkhead box F1; plus strand). Cytogenetic location: 16q24.1.
Variant type: single nucleotide variant.
Coding change: c.14C>T on transcript NM_001451.3 (MANE Select); coding-DNA position 14, C replaced by T.
Protein change: p.Pro5Leu; replaces proline 5 with leucine.
Molecular consequence: missense variant.
Genome position (GRCh38, 1-based): chr16:86,510,583, C>T. VCF-style: chr16-86510583-C-T. GRCh37 (hg19) VCF-style: chr16-86544189-C-T.
Other names: short protein forms P5L.
Identifiers: ClinVar variation 3516719 (VCV003516719.2).
Genomic context (GRCh38, chr16:86,510,583, plus strand): 5'-CGGCGCAGAGCAGCGGCGGCAGCGGCGGCGGCGGCAGCAGCCACCCGATGTCTTCGGCGC[C>T]CGAGAAGCAGCAGCCACCGCACGGCGGCGGCGGCGGCGGCGGCGGGGGAGGCGGCGCGGC-3'
Protein context (NP_001442.2, residues 1-15): MSSA[Pro5Leu]EKQQPPHGGG

ClinVar aggregate classification (germline): Uncertain significance. Review status: criteria provided, multiple submitters, no conflicts (2 of 4 stars). 2 submissions from 2 submitters: Uncertain significance (2). Last evaluated 2025-04-20.

Conditions:
Inborn genetic diseases. Identifiers: MedGen C0950123, MeSH D030342.

Submissions (2):

Labcorp Genetics (formerly Invitae), Labcorp
Classification: Uncertain significance. Last evaluated: 2025-04-20. Review status: criteria provided, single submitter. Criteria: Invitae Variant Classification Sherloc (09022015). Collection method: clinical testing. Allele origin: germline.
Comment: This sequence change replaces proline, which is neutral and non-polar, with leucine, which is neutral and non-polar, at codon 5 of the FOXF1 protein (p.Pro5Leu). This variant is present in population databases (no rsID available, gnomAD 0.007%). This variant has not been reported in the literature in individuals affected with FOXF1-related conditions. ClinVar contains an entry for this variant (Variation ID: 3516719). An algorithm developed to predict the effect of missense changes on protein structure and function (PolyPhen-2) suggests that this variant is likely to be tolerated. In summary, the available evidence is currently insufficient to determine the role of this variant in disease. Therefore, it has been classified as a Variant of Uncertain Significance.

Ambry Genetics
Classification: Uncertain significance for Inborn genetic diseases. Last evaluated: 2024-10-12. Review status: criteria provided, single submitter. Criteria: Ambry Variant Classification Scheme 2023. Collection method: clinical testing. Allele origin: germline.